The following is an entry in ClinVar:

ClinVar aggregate classification (germline): Uncertain significance (1 of 4 stars; one submission).

Conditions:
Inborn genetic diseases. Identifiers: MedGen C0950123, MeSH D030342.

gnomAD v4.1: 1 of 1,599,466 alleles (0.000063%); highest among the groups gnomAD compares: Admixed American, 0.0018%; no homozygotes.

Submission:

Ambry Genetics
Classification: Uncertain significance for Inborn genetic diseases. Last evaluated: 2025-08-04. Review status: criteria provided, single submitter. Criteria: Ambry Variant Classification Scheme 2023. Collection method: clinical testing. Allele origin: germline.
Comment: The p.G1058D variant (also known as c.3173G>A), located in coding exon 15 of the MECOM gene, results from a G to A substitution at nucleotide position 3173. The glycine at codon 1058 is replaced by aspartic acid, an amino acid with similar properties. This amino acid position is conserved. In addition, this alteration is predicted to be tolerated by in silico analysis. Based on the available evidence, the clinical significance of this variant remains unclear.

NM_004991.4(MECOM):c.3173G>A (p.Gly1058Asp)

Gene: MECOM (MDS1 and EVI1 complex locus; minus strand). Cytogenetic location: 3q26.2.
Variant type: single nucleotide variant.
Coding change: c.3173G>A on transcript NM_004991.4 (MANE Select); coding-DNA position 3173, G replaced by A.
Protein change: p.Gly1058Asp; replaces glycine 1058 with aspartic acid.
Molecular consequence: missense variant.
Genome position (GRCh38, 1-based): chr3:169,090,228, C>T on the plus strand (G>A on the coding strand, the complement: MECOM is on the minus strand). VCF-style: chr3-169090228-C-T. GRCh37 (hg19) VCF-style: chr3-168808016-C-T.
Other names: c.2804G>A, p.Gly935Asp (NM_001105077.4); c.2609G>A, p.Gly870Asp (NM_001105078.4, NM_001205194.2, NM_001366469.2 and 1 more transcripts); c.2585G>A, p.Gly862Asp (NM_001163999.2, NM_001366470.2); c.2582G>A, p.Gly861Asp (NM_001164000.2, NM_001366471.2, NM_001366472.2); c.3146G>A, p.Gly1049Asp (NM_001366466.2); c.2612G>A, p.Gly871Asp (NM_001366467.2, NM_001366468.2); c.2174G>A, p.Gly725Asp (NM_001366473.2); c.1610G>A, p.Gly537Asp (NM_001366474.2); short protein forms G861D, G862D, G1049D, G870D, G1058D, G537D, G935D, G725D.
Identifiers: ClinVar variation 4105829 (VCV004105829.1).
Genomic context (GRCh38, chr3:169,090,228, plus strand): 5'-TCATCCAGCAAGTCTGAATTTTGACTGGTCACCAAAGCCTTTTCATCTTTAAAATGACTG[C>T]CATTCATTCTTTCAAAAGCATTAAAAAAAAAGTCCAATTGTTGGTTTCATTTTTAAAATT-3'
Protein context (NP_004982.2, residues 1048-1068): SPRNVEERMN[Gly1058Asp]SHFKDEKALV